The following is an entry in ClinVar:

NM_001042681.2(RERE):c.3419G>T (p.Gly1140Val)

Gene: RERE (arginine-glutamic acid dipeptide repeats; minus strand). Cytogenetic location: 1p36.23.
Variant type: single nucleotide variant.
Coding change: c.3419G>T on transcript NM_001042681.2 (MANE Select); coding-DNA position 3419, G replaced by T.
Protein change: p.Gly1140Val; replaces glycine 1140 with valine.
Molecular consequence: missense variant.
Genome position (GRCh38, 1-based): chr1:8,359,963, C>A on the plus strand (G>T on the coding strand, the complement: RERE is on the minus strand). VCF-style: chr1-8359963-C-A. GRCh37 (hg19) VCF-style: chr1-8420023-C-A.
Other names: c.1757G>T, p.Gly586Val (NM_001042682.2); c.3419G>T, p.Gly1140Val (NM_012102.4); short protein forms G1140V, G586V.
Identifiers: ClinVar variation 3631960 (VCV003631960.2).
Genomic context (GRCh38, chr1:8,359,963, plus strand): 5'-GCCAGCTTGGACCCGGCCAGAGGCATGAAGTACAGGTCTGTCCGGGCACACGAGTTGTAG[C>A]CCCGGTCCAGGTGTTTGTAGAACCTGAGAAAAGCCACAGATCTTGCTGGGAGCTCCTGCC-3'
Protein context (NP_001036146.1, residues 1130-1150): SARFYKHLDR[Gly1140Val]YNSCARTDLY

ClinVar aggregate classification (germline): Uncertain significance (1 of 4 stars; one submission).

Submission:

Labcorp Genetics (formerly Invitae), Labcorp
Classification: Uncertain significance. Last evaluated: 2024-12-19. Review status: criteria provided, single submitter. Criteria: Invitae Variant Classification Sherloc (09022015). Collection method: clinical testing. Allele origin: germline.
Comment: This sequence change replaces glycine, which is neutral and non-polar, with valine, which is neutral and non-polar, at codon 1140 of the RERE protein (p.Gly1140Val). This variant is not present in population databases (gnomAD no frequency). This variant has not been reported in the literature in individuals affected with RERE-related conditions. Invitae Evidence Modeling of protein sequence and biophysical properties (such as structural, functional, and spatial information, amino acid conservation, physicochemical variation, residue mobility, and thermodynamic stability) has been performed for this missense variant. However, the output from this modeling did not meet the statistical confidence thresholds required to predict the impact of this variant on RERE protein function. In summary, the available evidence is currently insufficient to determine the role of this variant in disease. Therefore, it has been classified as a Variant of Uncertain Significance.